The following is an entry in ClinVar:

NM_182916.3(TRNT1):c.176_182del (p.Glu58_Leu59insTer)

Gene: TRNT1 (tRNA nucleotidyl transferase 1; plus strand). Cytogenetic location: 3p26.2.
Variant type: Deletion.
Coding change: c.176_182del on transcript NM_182916.3 (MANE Select); coding-DNA positions 176 to 182, 7 bases deleted (TAAGAAT; older notation c.176_182delTAAGAAT).
Protein change: p.Glu58_Leu59insTer.
Molecular consequence: nonsense. On other transcripts: non-coding transcript variant (8).
Genome position (GRCh38, 1-based): chr3:3,137,287-3,137,293, TAAGAAT deleted; deleting any 7 consecutive bases within chr3:3,137,283-3,137,293 gives the same sequence; the c. name uses the placement nearest the transcript's 3' end. VCF-style (leftmost placement, unchanged base first): chr3-3137282-CGAATTAA-C. GRCh37 (hg19) VCF-style: chr3-3178966-CGAATTAA-C.
Other names: c.176_182del, p.Glu58_Leu59insTer (NM_001302946.2, NM_001367321.1, NM_001367322.1 and 1 more transcripts).
Identifiers: ClinVar variation 2009367 (VCV002009367.4), dbSNP rs2471280487, ClinGen allele CA2580069140.

ClinVar aggregate classification (germline): Pathogenic (1 of 4 stars; one submission).

Conditions:
Congenital sideroblastic anemia-B-cell immunodeficiency-periodic fever-developmental delay syndrome. Also called: Sideroblastic anemia with B-cell immunodeficiency, periodic fevers, and developmental delay. Identifiers: Orphanet 369861, MedGen C4015172, MONDO:0014487, OMIM 616084.

Submission:

Labcorp Genetics (formerly Invitae), Labcorp
Classification: Pathogenic for Congenital sideroblastic anemia-B-cell immunodeficiency-periodic fever-developmental delay syndrome. Last evaluated: 2022-06-22. Review status: criteria provided, single submitter. Criteria: Invitae Variant Classification Sherloc (09022015). Collection method: clinical testing. Allele origin: germline.
Comment: For these reasons, this variant has been classified as Pathogenic. This variant has not been reported in the literature in individuals affected with TRNT1-related conditions. This variant is not present in population databases (gnomAD no frequency). This sequence change creates a premature translational stop signal (p.Leu59*) in the TRNT1 gene. It is expected to result in an absent or disrupted protein product. Loss-of-function variants in TRNT1 are known to be pathogenic (PMID: 25193871).

Literature cited by the submitters: PubMed 25193871.